The following is an entry in ClinVar:

NM_181303.2(NLGN3):c.603C>G (p.Pro201=)

Gene: NLGN3 (neuroligin 3; plus strand). Cytogenetic location: Xq13.1.
Variant type: single nucleotide variant.
Coding change: c.603C>G on transcript NM_181303.2 (MANE Select); coding-DNA position 603, C replaced by G.
Protein change: p.Pro201=; no amino-acid change (proline 201 retained).
Molecular consequence: synonymous variant.
Genome position (GRCh38, 1-based): chrX:71,155,239, C>G. VCF-style: chrX-71155239-C-G. GRCh37 (hg19) VCF-style: chrX-70375089-C-G.
Other names: c.483C>G, p.Pro161= (NM_001166660.2); c.192C>G, p.Pro64= (NM_001321276.2); c.543C>G, p.Pro181= (NM_018977.4).
Identifiers: ClinVar variation 290693 (VCV000290693.15), dbSNP rs35794236, ClinGen allele CA10445058.

ClinVar aggregate classification (germline): Conflicting classifications of pathogenicity. Review status: criteria provided, conflicting classifications (1 of 4 stars). 5 submissions from 5 submitters: Uncertain significance (1); Likely benign (3). 1 of the submissions does not count toward it. Last evaluated 2024-06-05.

Conditions:
Inborn genetic diseases. Identifiers: MedGen C0950123, MeSH D030342.
NLGN3-related disorder. Also called: NLGN3-related condition.

Allele frequency attached by ClinVar (database versions not stated): gnomAD 0.00055; TOPMed 0.00074; 1000 Genomes Project 30x 0.00104; ESP Exome Variant Server 0.00104; 1000 Genomes Project 0.00106.
gnomAD v4.1: 148 of 1,210,465 alleles (0.012%); highest among the groups gnomAD compares: African/African-American, 0.24%; no homozygotes.

Submissions (5):

Blueprint Genetics
Classification: Likely benign. Last evaluated: 2024-06-05. Review status: criteria provided, single submitter. Criteria: ACMG Guidelines, 2015. Collection method: clinical testing. Allele origin: germline.

Genetic Services Laboratory, University of Chicago
Classification: Likely benign. Last evaluated: 2018-04-09. Review status: criteria provided, single submitter. Criteria: ACMG Guidelines, 2015. Collection method: clinical testing. Allele origin: germline. Affected: no.

Eurofins Ntd Llc (ga)
Classification: Uncertain significance. Last evaluated: 2016-09-09. Review status: criteria provided, single submitter. Criteria: EGL Classification Definitions 2015. Collection method: clinical testing. Allele origin: germline. Observed: 1 variant allele, 1 heterozygote.

Ambry Genetics
Classification: Likely benign for Inborn genetic diseases. Last evaluated: 2016-08-10. Review status: criteria provided, single submitter. Criteria: Ambry Variant Classification Scheme 2023. Collection method: clinical testing. Allele origin: germline.

PreventionGenetics, part of Exact Sciences
Classification: Likely benign for NLGN3-related condition. Last evaluated: 2019-03-22. Review status: no assertion criteria provided. Collection method: clinical testing. Allele origin: germline. Not counted in ClinVar's aggregate classification.
Comment: This variant is classified as likely benign based on ACMG/AMP sequence variant interpretation guidelines (Richards et al. 2015 PMID: 25741868, with internal and published modifications).